The following is an entry in ClinVar:

NM_201596.3(CACNB2):c.121-15_121-3dup

Gene: CACNB2 (calcium voltage-gated channel auxiliary subunit beta 2; plus strand). Cytogenetic location: 10p12.33.
Variant type: Duplication.
Coding change: c.121-15_121-3dup on transcript NM_201596.3 (MANE Select); 15 bases into the intron before coding-DNA position 121 through 3 bases into the intron before coding-DNA position 121, 13 bases duplicated (TTTTTTTTTTTTT).
Molecular consequence: intron variant.
Genome position (GRCh38, 1-based): chr10:18,150,868-18,150,880, TTTTTTTTTTTTT duplicated; duplicating any 13 consecutive bases within chr10:18,150,856-18,150,880 gives the same sequence; the c. name uses the placement nearest the transcript's 3' end. VCF-style (leftmost placement, unchanged base first): chr10-18150855-C-CTTTTTTTTTTTTT. GRCh37 (hg19) VCF-style: chr10-18439784-C-CTTTTTTTTTTTTT.
Other names: c.37-15_37-3dup (NM_201571.4, NM_001167945.2, NM_201572.4); c.121-15_121-3dup (NM_201593.3, NM_201597.3).
Identifiers: ClinVar variation 3037652 (VCV003037652.2), dbSNP rs71402148, ClinGen allele CA925458978.

ClinVar aggregate classification (germline): Likely benign (0 of 4 stars; one submission).

Conditions:
CACNB2-related disorder. Also called: CACNB2-related condition.

Submission:

PreventionGenetics, part of Exact Sciences
Classification: Likely benign for CACNB2-related condition. Last evaluated: 2020-07-13. Review status: no assertion criteria provided. Collection method: clinical testing. Allele origin: germline.
Comment: This variant is classified as likely benign based on ACMG/AMP sequence variant interpretation guidelines (Richards et al. 2015 PMID: 25741868, with internal and published modifications).